The following is an entry in ClinVar:

ClinVar aggregate classification (germline): Uncertain significance (1 of 4 stars; one submission).

Conditions:
PCSK1-related disorder. Also called: PCSK1-related condition.

Submission:

PreventionGenetics, part of Exact Sciences
Classification: Uncertain significance for PCSK1-related condition. Last evaluated: 2025-09-04. Review status: criteria provided, single submitter. Criteria: ACMG Guidelines, 2015. Collection method: clinical testing. Allele origin: germline.
Comment: The PCSK1 c.621-3C>G variant is predicted to interfere with splicing. This variant is predicted to alter splicing based on available splicing prediction programs (SpliceAI, Jaganathan et al. 2019. PubMed ID: 30661751). However, the use of computer prediction programs is not equivalent to functional evidence. To our knowledge, this variant has not been reported in the literature or in a large population database (gnomAD), indicating this variant is rare. At this time, the clinical significance of this variant is uncertain due to the absence of conclusive functional and genetic evidence.

NM_000439.5(PCSK1):c.621-3C>G

Genes: CAST (calpastatin; plus strand), PCSK1 (proprotein convertase subtilisin/kexin type 1; minus strand), LOC101929710 (uncharacterized LOC101929710; plus strand). Cytogenetic location: 5q15.
Variant type: single nucleotide variant.
Coding change: c.621-3C>G on transcript NM_000439.5 (MANE Select); 3 bases into the intron before coding-DNA position 621, C replaced by G.
Molecular consequence: intron variant.
Genome position (GRCh38, 1-based): chr5:96,416,124, G>C on the plus strand (C>G on the coding strand, the complement: PCSK1 is on the minus strand). VCF-style: chr5-96416124-G-C. GRCh37 (hg19) VCF-style: chr5-95751828-G-C.
Other names: c.-175+36472G>C (NM_001423254.1, NM_001423259.1, NM_001423255.1 and 6 more transcripts); c.-103+36472G>C (NM_001423253.1); c.-40+36472G>C (NM_001423258.1); c.480-3C>G (NM_001177875.2).
Identifiers: ClinVar variation 4987285 (VCV004987285.1).